The following is an entry in ClinVar:

NM_001395656.1(ROBO2):c.4363C>A (p.Leu1455Ile)

Gene: ROBO2 (roundabout guidance receptor 2; plus strand). Cytogenetic location: 3p12.3.
Variant type: single nucleotide variant.
Coding change: c.4363C>A on transcript NM_001395656.1 (MANE Select); coding-DNA position 4363, C replaced by A.
Protein change: p.Leu1455Ile; replaces leucine 1455 with isoleucine.
Molecular consequence: missense variant.
Genome position (GRCh38, 1-based): chr3:77,644,847, C>A. VCF-style: chr3-77644847-C-A. GRCh37 (hg19) VCF-style: chr3-77693998-C-A.
Other names: c.4126C>A, p.Leu1376Ile (NM_001128929.3); c.4090C>A, p.Leu1364Ile (NM_001290039.2); c.4273C>A, p.Leu1425Ile (NM_001290040.2, NM_001395657.1); c.2299C>A, p.Leu767Ile (NM_001290065.2); c.4411C>A, p.Leu1471Ile (NM_001378190.1); c.4537C>A, p.Leu1513Ile (NM_001378191.1); c.4432C>A, p.Leu1478Ile (NM_001378192.1); c.4351C>A, p.Leu1451Ile (NM_001378193.1); and 11 more; short protein forms L1429I, L767I, L1360I, L1422I, L1451I, L1478I, L1516I, L1322I.
Identifiers: ClinVar variation 3654908 (VCV003654908.2).

ClinVar aggregate classification (germline): Uncertain significance (1 of 4 stars; one submission).

gnomAD v4.1: 57 of 1,613,960 alleles (0.0035%); highest among the groups gnomAD compares: Non-Finnish European, 0.0044%; no homozygotes.

Submission:

Labcorp Genetics (formerly Invitae), Labcorp
Classification: Uncertain significance. Last evaluated: 2025-12-16. Review status: criteria provided, single submitter. Criteria: Invitae Variant Classification Sherloc (09022015). Collection method: clinical testing. Allele origin: germline.
Comment: This sequence change replaces leucine, which is neutral and non-polar, with isoleucine, which is neutral and non-polar, at codon 1360 of the ROBO2 protein (p.Leu1360Ile). This variant is present in population databases (rs376768863, gnomAD 0.009%). This variant has not been reported in the literature in individuals affected with ROBO2-related conditions. ClinVar contains an entry for this variant (Variation ID: 3654908). Invitae Evidence Modeling of protein sequence and biophysical properties (such as structural, functional, and spatial information, amino acid conservation, physicochemical variation, residue mobility, and thermodynamic stability) indicates that this missense variant is not expected to disrupt ROBO2 protein function with a negative predictive value of 95%. In summary, the available evidence is currently insufficient to determine the role of this variant in disease. Therefore, it has been classified as a Variant of Uncertain Significance.